The following is an entry in ClinVar:

ClinVar aggregate classification (germline): Likely benign (1 of 4 stars; one submission).

gnomAD v4.1: 47 of 1,613,996 alleles (0.0029%); highest among the groups gnomAD compares: Non-Finnish European, 0.004%; no homozygotes.

Submission:

CeGaT Center for Human Genetics Tuebingen
Classification: Likely benign. Last evaluated: 2025-05-01. Review status: criteria provided, single submitter. Criteria: CeGaT Center For Human Genetics Tuebingen Variant Classification Criteria Version 2. Collection method: clinical testing. Allele origin: germline. Affected: yes. Observed: 1 variant allele.
Comment: POLR1G: BP4, BP7

NM_012099.3(POLR1G):c.960A>G (p.Glu320=)

Genes: ERCC1 (ERCC excision repair 1, endonuclease non-catalytic subunit; minus strand), POLR1G (RNA polymerase I subunit G; plus strand). Cytogenetic location: 19q13.32.
Variant type: single nucleotide variant.
Coding change: c.960A>G on transcript NM_012099.3 (MANE Select); coding-DNA position 960, A replaced by G.
Protein change: p.Glu320=; no amino-acid change (glutamic acid 320 retained).
Molecular consequence: synonymous variant. On other transcripts: 3 prime UTR variant (10).
Genome position (GRCh38, 1-based): chr19:45,408,928, A>G. VCF-style: chr19-45408928-A-G. GRCh37 (hg19) VCF-style: chr19-45912186-A-G.
Other names: c.966A>G, p.Glu322= (NM_001297590.3); c.*747T>C (NM_001166049.2, NM_001369412.1, NM_001369413.1 and 7 more transcripts).
Identifiers: ClinVar variation 3905301 (VCV003905301.10).